The following is an entry in ClinVar:

NM_000292.3(PHKA2):c.1978C>T (p.Leu660Phe)

Gene: PHKA2 (phosphorylase kinase regulatory subunit alpha 2; minus strand). Cytogenetic location: Xp22.13.
Variant type: single nucleotide variant.
Coding change: c.1978C>T on transcript NM_000292.3 (MANE Select); coding-DNA position 1978, C replaced by T.
Protein change: p.Leu660Phe; replaces leucine 660 with phenylalanine.
Molecular consequence: missense variant.
Genome position (GRCh38, 1-based): chrX:18,918,840, G>A on the plus strand (C>T on the coding strand, the complement: PHKA2 is on the minus strand). VCF-style: chrX-18918840-G-A. GRCh37 (hg19) VCF-style: chrX-18936958-G-A.
Other names: short protein forms L660F.
Identifiers: ClinVar variation 682403 (VCV000682403.4), dbSNP rs773591957, ClinGen allele CA10361748.
Genomic context (GRCh38, chrX:18,918,840, plus strand): 5'-GAGGAGGCAGATAGGACCTCAACGATGTGCTTTGCAGAAGGTGGTTGATATAATGGTCAA[G>A]TTCGTCTTGGCTTTCTGTAATTGGACAAGCAAGAAAAAGAGCCAATGAAACCAAGCTGTA-3'
Protein context (NP_000283.1, residues 650-670): DTCNQESQDE[Leu660Phe]DHYINHLLQS

ClinVar aggregate classification (germline): Likely benign. Review status: criteria provided, multiple submitters, no conflicts (2 of 4 stars). 3 submissions from 3 submitters: Likely benign (3). Last evaluated 2025-06-30.

Conditions:
Glycogen storage disease IXa1. Also called: LIVER GLYCOGENOSIS, X-LINKED, TYPE I; GLYCOGEN STORAGE DISEASE VIII; GSD VIII; Glycogen storage disease 8. Identifiers: Orphanet 264580, MedGen C3694531, MONDO:0010598, OMIM 306000.

Allele frequency attached by ClinVar (database versions not stated): gnomAD exomes 0.00006 and 0.00009; ExAC 0.00011.

Submissions (3):

Labcorp Genetics (formerly Invitae), Labcorp
Classification: Likely benign for Glycogen storage disease IXa1. Last evaluated: 2025-06-30. Review status: criteria provided, single submitter. Criteria: Invitae Variant Classification Sherloc (09022015). Collection method: clinical testing. Allele origin: germline.

Women's Health and Genetics/Laboratory Corporation of America, LabCorp
Classification: Likely benign. Last evaluated: 2024-05-31. Review status: criteria provided, single submitter. Criteria: LabCorp Variant Classification Summary - May 2015. Collection method: clinical testing. Allele origin: germline.
Comment: Variant summary: PHKA2 c.1978C>T (p.Leu660Phe) results in a non-conservative amino acid change located in the GH15-like domain (IPR011613) of the encoded protein sequence. Three of five in-silico tools predict a benign effect of the variant on protein function. The variant allele was found at a frequency of 8.7e-05 in 183389 control chromosomes, predominantly at a frequency of 0.00084 within the South Asian subpopulation in the gnomAD database, including 45 hemizygous controls. The observed variant frequency within South Asian control individuals in the gnomAD database is approximately equal to the estimated maximal expected allele frequency for a pathogenic variant in PHKA2 causing Glycogen Phosphorylase Kinase Deficiency phenotype (0.00079). c.1978C>T has been reported in the literature in the presumed hemizygous state in at least 1 individual affected with Glycogen Phosphorylase Kinase Deficiency (example, Ersoy_2021). To our knowledge, no experimental evidence demonstrating an impact on protein function has been reported. The following publication has been ascertained in the context of this evaluation (PMID: 34946936). ClinVar contains an entry for this variant (Variation ID: 682403). Based on the evidence outlined above, the variant was classified as likely benign.

GeneDx
Classification: Likely benign. Last evaluated: 2018-05-14. Review status: criteria provided, single submitter. Criteria: GeneDx Variant Classification (06012015). Collection method: clinical testing. Allele origin: germline. Affected: yes.
Comment: This variant is considered likely benign or benign based on one or more of the following criteria: it is a conservative change, it occurs at a poorly conserved position in the protein, it is predicted to be benign by multiple in silico algorithms, and/or has population frequency not consistent with disease.

Literature cited by the submitters: PubMed 34946936 (cited by Women's Health and Genetics/Laboratory Corporation of America, LabCorp).